The following is an entry in ClinVar:

NM_005762.3(TRIM28):c.688C>G (p.Arg230Gly)

Gene: TRIM28 (tripartite motif containing 28; plus strand). Cytogenetic location: 19q13.43.
Variant type: single nucleotide variant.
Coding change: c.688C>G on transcript NM_005762.3 (MANE Select); coding-DNA position 688, C replaced by G.
Protein change: p.Arg230Gly; replaces arginine 230 with glycine.
Molecular consequence: missense variant.
Genome position (GRCh38, 1-based): chr19:58,547,477, C>G. VCF-style: chr19-58547477-C-G. GRCh37 (hg19) VCF-style: chr19-59058844-C-G.
Other names: short protein forms R230G.
Identifiers: ClinVar variation 3727290 (VCV003727290.2).

ClinVar aggregate classification (germline): Uncertain significance (1 of 4 stars; one submission).

Submission:

Labcorp Genetics (formerly Invitae), Labcorp
Classification: Uncertain significance. Last evaluated: 2024-12-15. Review status: criteria provided, single submitter. Criteria: Invitae Variant Classification Sherloc (09022015). Collection method: clinical testing. Allele origin: germline.
Comment: This sequence change replaces arginine, which is basic and polar, with glycine, which is neutral and non-polar, at codon 230 of the TRIM28 protein (p.Arg230Gly). This variant is not present in population databases (gnomAD no frequency). This variant has not been reported in the literature in individuals affected with TRIM28-related conditions. Experimental studies and prediction algorithms are not available or were not evaluated, and the functional significance of this variant is currently unknown. In summary, the available evidence is currently insufficient to determine the role of this variant in disease. Therefore, it has been classified as a Variant of Uncertain Significance.